The following is an entry in ClinVar:

ClinVar aggregate classification (germline): Uncertain significance (1 of 4 stars; one submission).

Submission:

GeneDx
Classification: Uncertain significance. Last evaluated: 2019-10-03. Review status: criteria provided, single submitter. Criteria: GeneDx Variant Classification Process June 2021. Collection method: clinical testing. Allele origin: germline. Affected: yes.
Comment: Not observed in large population cohorts (Lek et al., 2016); In-frame deletion of one amino acid and insertion of six amino acids in a non-repeat region.; Has not been previously published as pathogenic or benign to our knowledge

NM_138694.4(PKHD1):c.8600delinsGTAAACATCCTAAGAA (p.Ser2867delinsCysLysHisProLysAsn)

Gene: PKHD1 (PKHD1 ciliary IPT domain containing fibrocystin/polyductin; minus strand). Cytogenetic location: 6p12.3.
Variant type: Indel.
Coding change: c.8600delinsGTAAACATCCTAAGAA on transcript NM_138694.4 (MANE Select); coding-DNA position 8600, C replaced by GTAAACATCCTAAGAA.
Protein change: p.Ser2867delinsCysLysHisProLysAsn.
Molecular consequence: inframe indel.
Genome position (GRCh38, 1-based): chr6:51,772,744, G replaced by TTCTTAGGATGTTTAC on the plus strand (C replaced by GTAAACATCCTAAGAA on the coding strand, the reverse complement: PKHD1 is on the minus strand). VCF-style: chr6-51772744-G-TTCTTAGGATGTTTAC. GRCh37 (hg19) VCF-style: chr6-51637542-G-TTCTTAGGATGTTTAC.
Other names: c.8600delinsGTAAACATCCTAAGAA, p.Ser2867delinsCysLysHisProLysAsn (NM_170724.3).
Identifiers: ClinVar variation 1308952 (VCV001308952.2), dbSNP rs2151138307, ClinGen allele CA2573052707.